The following is an entry in ClinVar:

ClinVar aggregate classification (germline): Uncertain significance (1 of 4 stars; one submission).

Conditions:
Neuronal ceroid lipofuscinosis. Also called: Neuronal Ceroid Lipofuscinoses. Identifiers: Orphanet 216, Orphanet 79263, MedGen C0027877, MONDO:0016295. Disease mechanism: loss of function.

Allele frequency attached by ClinVar (database versions not stated): gnomAD exomes below 0.00001; TOPMed below 0.00001; ExAC 0.00001; gnomAD 0.00001.
gnomAD v4.1: 2 of 1,613,690 alleles (0.00012%); highest among the groups gnomAD compares: Admixed American, 0.0017%; no homozygotes.

Submission:

Labcorp Genetics (formerly Invitae), Labcorp
Classification: Uncertain significance for Neuronal ceroid lipofuscinosis. Last evaluated: 2021-10-27. Review status: criteria provided, single submitter. Criteria: Invitae Variant Classification Sherloc (09022015). Collection method: clinical testing. Allele origin: germline.
Comment: This sequence change replaces proline, a(n) neutral and non-polar amino acid, with serine, a(n) neutral and polar amino acid, at codon 25 of the CTSD protein (p.Pro25Ser). This variant is present in population databases (rs769626991, gnomAD 0.003%). This variant has not been reported in the literature in individuals affected with CTSD-related conditions. ClinVar contains an entry for this variant (Variation ID: 848648). Algorithms developed to predict the effect of missense changes on protein structure and function are either unavailable or do not agree on the potential impact of this missense change (SIFT: "Tolerated"; PolyPhen-2: "Probably Damaging"; Align-GVGD: "Class C0"). In summary, the available evidence is currently insufficient to determine the role of this variant in disease. Therefore, it has been classified as a Variant of Uncertain Significance.

NM_001909.5(CTSD):c.73C>T (p.Pro25Ser)

Genes: CTSD (cathepsin D; minus strand), PRADX (PRC2 and DDX5 associated lncRNA; plus strand). Cytogenetic location: 11p15.5.
Variant type: single nucleotide variant.
Coding change: c.73C>T on transcript NM_001909.5 (MANE Select); coding-DNA position 73, C replaced by T.
Protein change: p.Pro25Ser; replaces proline 25 with serine.
Molecular consequence: missense variant.
Genome position (GRCh38, 1-based): chr11:1,761,464, G>A on the plus strand (C>T on the coding strand, the complement: CTSD is on the minus strand). VCF-style: chr11-1761464-G-A. GRCh37 (hg19) VCF-style: chr11-1782694-G-A.
Other names: short protein forms P25S.
Identifiers: ClinVar variation 848648 (VCV000848648.5), dbSNP rs769626991, ClinGen allele CA5814300.